The following is an entry in ClinVar:

NM_133638.6(ADAMTS19):c.1478+1G>A

Gene: ADAMTS19 (ADAM metallopeptidase with thrombospondin type 1 motif 19; plus strand). Cytogenetic location: 5q23.3.
Variant type: single nucleotide variant.
Coding change: c.1478+1G>A on transcript NM_133638.6 (MANE Select); the canonical splice donor site of the intron after coding-DNA position 1478, G replaced by A.
Molecular consequence: splice donor variant.
Genome position (GRCh38, 1-based): chr5:129,596,665, G>A. VCF-style: chr5-129596665-G-A. GRCh37 (hg19) VCF-style: chr5-128932358-G-A.
Identifiers: ClinVar variation 3897987 (VCV003897987.1).

ClinVar aggregate classification (germline): Likely pathogenic (1 of 4 stars; one submission).

Conditions:
Cardiac valvular dysplasia 2 (CVDP2). Identifiers: MedGen C5774226, MONDO:0859572, OMIM 620067.

gnomAD v4.1: 1 of 1,594,104 alleles (0.000063%); highest among the groups gnomAD compares: Admixed American, 0.0017%; no homozygotes.

Submission:

Neuberg Centre For Genomic Medicine, NCGM
Classification: Likely pathogenic for Cardiac valvular dysplasia 2. Last evaluated: 2024-02-01. Review status: criteria provided, single submitter. Criteria: ACMG Guidelines, 2015. Collection method: clinical testing. Allele origin: germline. Inheritance: Autosomal recessive inheritance.
Comment: The above variant has not been reported previously as a pathogenic variant nor as a benign variant, to our knowledge. Loss of function variants have been previously reported to be disease causing (Wünnemann, F., 2020). For these reasons, this variant has been classified as Likely pathogenic.